The following is an entry in ClinVar:

ClinVar aggregate classification (germline): Uncertain significance (1 of 4 stars; one submission).

Allele frequency attached by ClinVar (database versions not stated): TOPMed below 0.00001; ExAC 0.00001; gnomAD 0.00001.
gnomAD v4.1: 4 of 1,613,988 alleles (0.00025%); highest among the groups gnomAD compares: African/African-American, 0.0053%; no homozygotes.

Submission:

Labcorp Genetics (formerly Invitae), Labcorp
Classification: Uncertain significance. Last evaluated: 2022-07-25. Review status: criteria provided, single submitter. Criteria: Invitae Variant Classification Sherloc (09022015). Collection method: clinical testing. Allele origin: germline.
Comment: This sequence change replaces valine, which is neutral and non-polar, with isoleucine, which is neutral and non-polar, at codon 4454 of the USH2A protein (p.Val4454Ile). This variant is present in population databases (rs748245310, gnomAD 0.008%). In summary, the available evidence is currently insufficient to determine the role of this variant in disease. Therefore, it has been classified as a Variant of Uncertain Significance. Algorithms developed to predict the effect of missense changes on protein structure and function output the following: SIFT: "Tolerated"; PolyPhen-2: "Possibly Damaging"; Align-GVGD: "Class C0". The isoleucine amino acid residue is found in multiple mammalian species, which suggests that this missense change does not adversely affect protein function. This variant has not been reported in the literature in individuals affected with USH2A-related conditions.

NM_206933.4(USH2A):c.13360G>A (p.Val4454Ile)

Gene: USH2A (usherin; minus strand). Cytogenetic location: 1q41.
Variant type: single nucleotide variant.
Coding change: c.13360G>A on transcript NM_206933.4 (MANE Select); coding-DNA position 13360, G replaced by A.
Protein change: p.Val4454Ile; replaces valine 4454 with isoleucine.
Molecular consequence: missense variant.
Genome position (GRCh38, 1-based): chr1:215,674,551, C>T on the plus strand (G>A on the coding strand, the complement: USH2A is on the minus strand). VCF-style: chr1-215674551-C-T. GRCh37 (hg19) VCF-style: chr1-215847893-C-T.
Other names: short protein forms V4454I.
Identifiers: ClinVar variation 1977198 (VCV001977198.5), dbSNP rs748245310, ClinGen allele CA1393304.
Genomic context (GRCh38, chr1:215,674,551, plus strand): 5'-TCTGGCCATTTGGGTTTCTTGGAGGTTTCCAGGTGATTTCTATTGATTCTGAGCCTGTGA[C>T]TTGCAATGTTGGAGAGTCCATGTTCTCTGGCAGGGCCTCCATTGTCCAGGCAGATTTTGA-3'
Protein context (NP_996816.3, residues 4444-4464): PENMDSPTLQ[Val4454Ile]TGSESIEITW